The following is an entry in ClinVar:

NM_007194.4(CHEK2):c.610C>A (p.Leu204Met)

Gene: CHEK2 (checkpoint kinase 2; minus strand). Cytogenetic location: 22q12.1.
Variant type: single nucleotide variant.
Coding change: c.610C>A on transcript NM_007194.4 (MANE Select); coding-DNA position 610, C replaced by A.
Protein change: p.Leu204Met; replaces leucine 204 with methionine.
Molecular consequence: missense variant. On other transcripts: 5 prime UTR variant (2), intron variant (1).
Genome position (GRCh38, 1-based): chr22:28,719,468, G>T on the plus strand (C>A on the coding strand, the complement: CHEK2 is on the minus strand). VCF-style: chr22-28719468-G-T. GRCh37 (hg19) VCF-style: chr22-29115456-G-T.
Other names: NC_000022.10:g.29115456G>T; c.739C>A, p.Leu247Met (NM_001005735.3, NM_001438294.1); c.-54C>A (NM_001257387.3, NM_001437942.1); c.703C>A, p.Leu235Met (NM_001438293.1, NM_001438295.1); c.610C>A, p.Leu204Met (NM_145862.3); c.482+5418C>A (NM_001349956.3); short protein forms L204M, L247M, L235M.
Identifiers: ClinVar variation 1751662 (VCV001751662.3), dbSNP rs2146006962, ClinGen allele CA411105123.

ClinVar aggregate classification (germline): Uncertain significance (1 of 4 stars; one submission).

Conditions:
Hereditary cancer-predisposing syndrome. Also called: Hereditary Cancer Syndrome; Hereditary neoplastic syndrome; Neoplastic Syndromes, Hereditary; Tumor predisposition. Identifiers: Orphanet 140162, MedGen C0027672, MeSH D009386, MONDO:0015356.

gnomAD v4.1: 1 of 1,588,340 alleles (0.000063%); highest among the groups gnomAD compares: South Asian, 0.0011%; no homozygotes.

Submissions (3):

Ambry Genetics
Classification: Uncertain significance for Hereditary cancer-predisposing syndrome. Last evaluated: 2017-01-16. Review status: criteria provided, single submitter. Criteria: Ambry Variant Classification Scheme 2023. Collection method: clinical testing. Allele origin: germline.
Comment: The p.L204M variant (also known as c.610C>A), located in coding exon 4 of the CHEK2 gene, results from a C to A substitution at nucleotide position 610. The leucine at codon 204 is replaced by methionine, an amino acid with highly similar properties. This amino acid position is highly conserved in available vertebrate species. In addition, the in silico prediction for this alteration is inconclusive. Since supporting evidence is limited at this time, the clinical significance of this alteration remains unclear.

Dr. Peter K. Rogan Lab, Western University
No classification provided (evidence only). Condition: Thyroid cancer, nonmedullary, 1. Review status: no classification provided. Collection method: in vitro. Allele origin: not applicable. Functional consequence: skipped exon. Not counted in ClinVar's aggregate classification.

Dr. Peter K. Rogan Lab, Western University
No classification provided (evidence only). Condition: Sarcoma. Review status: no classification provided. Collection method: in vitro. Allele origin: not applicable. Functional consequence: retained intron. Not counted in ClinVar's aggregate classification.